The following is an entry in ClinVar:

NM_182972.3(IRF2BP2):c.1301A>G (p.Asn434Ser)

Gene: IRF2BP2 (interferon regulatory factor 2 binding protein 2; minus strand). Cytogenetic location: 1q42.3.
Variant type: single nucleotide variant.
Coding change: c.1301A>G on transcript NM_182972.3 (MANE Select); coding-DNA position 1301, A replaced by G.
Protein change: p.Asn434Ser; replaces asparagine 434 with serine.
Molecular consequence: missense variant.
Genome position (GRCh38, 1-based): chr1:234,607,600, T>C on the plus strand (A>G on the coding strand, the complement: IRF2BP2 is on the minus strand). VCF-style: chr1-234607600-T-C. GRCh37 (hg19) VCF-style: chr1-234743346-T-C.
Other names: c.1253A>G, p.Asn418Ser (NM_001077397.1); c.1301A>G (NM_182972.2); short protein forms N434S, N418S.
Identifiers: ClinVar variation 1379638 (VCV001379638.8), dbSNP rs371352845, ClinGen allele CA1461596.

ClinVar aggregate classification (germline): Uncertain significance. Review status: criteria provided, multiple submitters, no conflicts (2 of 4 stars). 2 submissions from 2 submitters: Uncertain significance (2). Last evaluated 2025-11-16.

Allele frequency attached by ClinVar (database versions not stated): gnomAD 0.00001; gnomAD exomes 0.00001 and 0.00002; ExAC 0.00002; TOPMed 0.00002; ESP Exome Variant Server 0.00008.
gnomAD v4.1: 18 of 1,614,120 alleles (0.0011%); highest among the groups gnomAD compares: Admixed American, 0.01%; no homozygotes.

Submissions (2):

Labcorp Genetics (formerly Invitae), Labcorp
Classification: Uncertain significance. Last evaluated: 2025-11-16. Review status: criteria provided, single submitter. Criteria: Invitae Variant Classification Sherloc (09022015). Collection method: clinical testing. Allele origin: germline.
Comment: This sequence change replaces asparagine, which is neutral and polar, with serine, which is neutral and polar, at codon 434 of the IRF2BP2 protein (p.Asn434Ser). This variant is present in population databases (rs371352845, gnomAD 0.006%). This variant has not been reported in the literature in individuals affected with IRF2BP2-related conditions. ClinVar contains an entry for this variant (Variation ID: 1379638). An algorithm developed to predict the effect of missense changes on protein structure and function outputs the following: PolyPhen-2: "Possibly Damaging". The serine amino acid residue is found in multiple mammalian species, which suggests that this missense change does not adversely affect protein function. In summary, the available evidence is currently insufficient to determine the role of this variant in disease. Therefore, it has been classified as a Variant of Uncertain Significance.

Ambry Genetics
Classification: Uncertain significance. Last evaluated: 2025-04-10. Review status: criteria provided, single submitter. Criteria: Ambry Variant Classification Scheme 2023. Collection method: clinical testing. Allele origin: germline.